The following is an entry in ClinVar:

NM_000441.2(SLC26A4):c.2235+2T>A

Gene: SLC26A4 (solute carrier family 26 member 4; plus strand). Cytogenetic location: 7q22.3.
Variant type: single nucleotide variant.
Coding change: c.2235+2T>A on transcript NM_000441.2 (MANE Select); the canonical splice donor site of the intron after coding-DNA position 2235, T replaced by A.
Molecular consequence: splice donor variant.
Genome position (GRCh38, 1-based): chr7:107,710,201, T>A. VCF-style: chr7-107710201-T-A. GRCh37 (hg19) VCF-style: chr7-107350646-T-A.
Identifiers: ClinVar variation 3601767 (VCV003601767.3).

ClinVar aggregate classification (germline): Pathogenic/Likely pathogenic. Review status: criteria provided, multiple submitters, no conflicts (2 of 4 stars). 3 submissions from 3 submitters: Pathogenic (2); Likely pathogenic (1). Last evaluated 2026-06-01.

Conditions:
Autosomal recessive nonsyndromic hearing loss 4 (DFNB4). Also called: NEUROSENSORY NONSYNDROMIC RECESSIVE DEAFNESS 4; FOXI1-Related Pendred Syndrome; KCNJ10-Related Pendred Syndrome; DEAFNESS, AUTOSOMAL RECESSIVE 4, WITH ENLARGED VESTIBULAR AQUEDUCT, DIGENIC; Nonsyndromic enlarged vestibular aqueduct (NSEVA); Deafness, autosomal recessive 4, with enlarged vestibular aqueduct. Identifiers: Orphanet 90636, MedGen C3538946, MONDO:0010933, OMIM 600791.

Submissions (3):

Department of Otolaryngology-Head and Neck Surgery, Shanghai Jiao Tong University Affiliated Sixth People’s Hospital
Classification: Pathogenic for Autosomal recessive nonsyndromic hearing loss 4. Last evaluated: 2026-06-01. Review status: criteria provided, single submitter. Criteria: ACMG Guidelines, 2015. Collection method: provider interpretation. Allele origin: germline. Inheritance: Autosomal recessive inheritance. Affected: yes. Observed: 1 variant allele, 1 compound heterozygote.
Comment: SLC26A4 c.2235+2T>A resides within intron 19. Variant classification: Pathogenic (PVS1_Very Strong + PM2_Supporting + PM3_Strong + PP4_Supporting). PVS1 (Very Strong): This canonical donor splice-site variant at the +2 position of intron 19 is predicted to disrupt normal pre-mRNA splicing and result in aberrant mRNA transcripts. PM2 (Supporting): No corresponding variant allele has been detected across ESP, 1000 Genomes and gnomAD population databases (allele frequency = 0), consistent with an extremely rare pathogenic allele. PM3 (Strong): Published literature (PMID: 40542191) reported an affected proband carrying this variant in trans with a second known pathogenic SLC26A4 variant c.2168A>G, forming a compound heterozygous genotype.

Hereditary Deafness Genetic Testing Group, The First Affiliated Hospital of Zhengzhou University
Classification: Likely pathogenic for Autosomal recessive nonsyndromic hearing loss 4. Last evaluated: 2025-04-08. Review status: criteria provided, single submitter. Criteria: ACMG Guidelines, 2015. Collection method: clinical testing. Allele origin: germline. Affected: yes.

Institute of Rare Diseases, West China Hospital, Sichuan University
Classification: Pathogenic for Autosomal recessive nonsyndromic hearing loss 4. Last evaluated: 2025-01-09. Review status: criteria provided, single submitter. Criteria: ClinGen HL ACMG Specifications v1. Collection method: research. Allele origin: germline. Affected: yes.
Comment: PVS1;PM3_Strong;PP4;PM2_Supporting

Literature cited by the submitters: PubMed 40542191 (cited by Department of Otolaryngology-Head and Neck Surgery, Shanghai Jiao Tong University Affiliated Sixth People’s Hospital and Hereditary Deafness Genetic Testing Group, The First Affiliated Hospital of Zhengzhou University).